The following is an entry in ClinVar:

NM_016628.5(WAC):c.820C>A (p.His274Asn)

Gene: WAC (WW domain containing adaptor with coiled-coil; plus strand). Cytogenetic location: 10p12.1.
Variant type: single nucleotide variant.
Coding change: c.820C>A on transcript NM_016628.5 (MANE Select); coding-DNA position 820, C replaced by A.
Protein change: p.His274Asn; replaces histidine 274 with asparagine.
Molecular consequence: missense variant. On other transcripts: intron variant (1).
Genome position (GRCh38, 1-based): chr10:28,595,942, C>A. VCF-style: chr10-28595942-C-A. GRCh37 (hg19) VCF-style: chr10-28884871-C-A.
Other names: c.685C>A, p.His229Asn (NM_100264.3); c.610+5110C>A (NM_100486.4); short protein forms H274N, H229N.
Identifiers: ClinVar variation 3332541 (VCV003332541.2).

ClinVar aggregate classification (germline): Uncertain significance. Review status: criteria provided, multiple submitters, no conflicts (2 of 4 stars). 2 submissions from 2 submitters: Uncertain significance (2). Last evaluated 2025-05-13.

Conditions:
Inborn genetic diseases. Identifiers: MedGen C0950123, MeSH D030342.

Submissions (2):

Women's Health and Genetics/Laboratory Corporation of America, LabCorp
Classification: Uncertain significance. Last evaluated: 2025-05-13. Review status: criteria provided, single submitter. Criteria: LabCorp Variant Classification Summary - May 2015. Collection method: clinical testing. Allele origin: germline.
Comment: Variant summary: WAC c.820C>A (p.His274Asn) results in a conservative amino acid change in the encoded protein sequence. Algorithms developed to predict the effect of missense changes on protein structure and function are either unavailable or do not agree on the potential impact of this missense change. The frequency data for this variant in gnomAD is considered unreliable, as metrics indicate poor data quality at this position. To our knowledge, no occurrence of c.820C>A in individuals affected with Desanto-Shinawi Syndrome and no experimental evidence demonstrating its impact on protein function have been reported. ClinVar contains an entry for this variant (Variation ID: 3332541). Based on the evidence outlined above, the variant was classified as uncertain significance.

Ambry Genetics
Classification: Uncertain significance for Inborn genetic diseases. Last evaluated: 2024-05-14. Review status: criteria provided, single submitter. Criteria: Ambry Variant Classification Scheme 2023. Collection method: clinical testing. Allele origin: germline.